The following is an entry in ClinVar:

ClinVar aggregate classification (germline): Uncertain significance. Review status: criteria provided, multiple submitters, no conflicts (2 of 4 stars). 3 submissions from 3 submitters: Uncertain significance (3). Last evaluated 2025-03-16.

Conditions:
Hereditary cancer-predisposing syndrome. Also called: Hereditary Cancer Syndrome; Neoplastic Syndromes, Hereditary; Hereditary neoplastic syndrome; Tumor predisposition. Identifiers: Orphanet 140162, MedGen C0027672, MeSH D009386, MONDO:0015356.
Familial adenomatous polyposis 3. Also called: NTHL1-related attenuated familial adenomatous polyposis; NTHL1 Tumor Syndrome; NTHL1-associated polyposis; NTHL1-Related Adenomatous Polyposis and Colorectal Cancer. Identifiers: Orphanet 220460, Orphanet 454840, MedGen C4225157, MONDO:0014630, OMIM 616415.

Allele frequency attached by ClinVar (database versions not stated): gnomAD exomes below 0.00001 and 0.00001.
gnomAD v4.1: 2 of 1,611,450 alleles (0.00012%); highest among the groups gnomAD compares: Admixed American, 0.0033%; no homozygotes.

Submissions (3):

Labcorp Genetics (formerly Invitae), Labcorp
Classification: Uncertain significance. Last evaluated: 2025-03-16. Review status: criteria provided, single submitter. Criteria: Invitae Variant Classification Sherloc (09022015). Collection method: clinical testing. Allele origin: germline.
Comment: This sequence change replaces leucine, which is neutral and non-polar, with valine, which is neutral and non-polar, at codon 138 of the NTHL1 protein (p.Leu138Val). This variant is present in population databases (no rsID available, gnomAD 0.006%). This variant has not been reported in the literature in individuals affected with NTHL1-related conditions. ClinVar contains an entry for this variant (Variation ID: 1450071). An algorithm developed to predict the effect of missense changes on protein structure and function (PolyPhen-2) suggests that this variant is likely to be disruptive. In summary, the available evidence is currently insufficient to determine the role of this variant in disease. Therefore, it has been classified as a Variant of Uncertain Significance.

Ambry Genetics
Classification: Uncertain significance for Hereditary cancer-predisposing syndrome. Last evaluated: 2024-08-30. Review status: criteria provided, single submitter. Criteria: Ambry Variant Classification Scheme 2023. Collection method: clinical testing. Allele origin: germline.
Comment: The p.L138V variant (also known as c.412C>G), located in coding exon 3 of the NTHL1 gene, results from a C to G substitution at nucleotide position 412. The leucine at codon 138 is replaced by valine, an amino acid with highly similar properties. This amino acid position is highly conserved in available vertebrate species. In addition, this alteration is predicted to be deleterious by in silico analysis. Since supporting evidence is limited at this time, the clinical significance of this alteration remains unclear.

Baylor Genetics
Classification: Uncertain significance for Familial adenomatous polyposis 3. Last evaluated: 2023-08-17. Review status: criteria provided, single submitter. Criteria: ACMG Guidelines, 2015. Collection method: clinical testing. Allele origin: unknown.

NM_002528.7(NTHL1):c.388C>G (p.Leu130Val)

Gene: NTHL1 (nth like DNA glycosylase 1; minus strand). Cytogenetic location: 16p13.3.
Variant type: single nucleotide variant.
Coding change: c.388C>G on transcript NM_002528.7 (MANE Select); coding-DNA position 388, C replaced by G.
Protein change: p.Leu130Val; replaces leucine 130 with valine.
Molecular consequence: missense variant. On other transcripts: intron variant (1).
Genome position (GRCh38, 1-based): chr16:2,044,767, G>C on the plus strand (C>G on the coding strand, the complement: NTHL1 is on the minus strand). VCF-style: chr16-2044767-G-C. GRCh37 (hg19) VCF-style: chr16-2094768-G-C.
Other names: c.58C>G, p.Leu20Val (NM_001318194.2); c.355-1041C>G (NM_001318193.2); short protein forms L130V, L20V.
Identifiers: ClinVar variation 1450071 (VCV001450071.12), dbSNP rs1177580110, ClinGen allele CA394294630.
Genomic context (GRCh38, chr16:2,044,767, plus strand): 5'-CCCGCGCCCGCAGTCGCTGCATGGCGCCCGCCGTCACCTGGTCTTTGGTTTGGCTGGAGA[G>C]CATCAGTGACAGCAGCACCTGGTACCTGCGTACCTGCTTGTGCAGTGACAGGGACCGGGG-3'
Protein context (NP_002519.2, residues 120-140): RRYQVLLSLM[Leu130Val]SSQTKDQVTA